The following is an entry in ClinVar:

NM_016156.6(MTMR2):c.298G>A (p.Ala100Thr)

Gene: MTMR2 (myotubularin related protein 2; minus strand). Cytogenetic location: 11q21.
Variant type: single nucleotide variant.
Coding change: c.298G>A on transcript NM_016156.6 (MANE Select); coding-DNA position 298, G replaced by A.
Protein change: p.Ala100Thr; replaces alanine 100 with threonine.
Molecular consequence: missense variant.
Genome position (GRCh38, 1-based): chr11:95,862,331, C>T on the plus strand (G>A on the coding strand, the complement: MTMR2 is on the minus strand). VCF-style: chr11-95862331-C-T. GRCh37 (hg19) VCF-style: chr11-95595495-C-T.
Other names: c.82G>A, p.Ala28Thr (NM_001243571.2, NM_201278.3, NM_201281.3); short protein forms A100T, A28T.
Identifiers: ClinVar variation 700009 (VCV000700009.36), dbSNP rs370701984, ClinGen allele CA6240374.
Genomic context (GRCh38, chr11:95,862,331, plus strand): 5'-CCCGTTCCATGCTTTTGAAATATAACCTATAATTCGTGACAGTCAGAGTTCCTCGTACAG[C>T]GCCAGTGAATGGACATATATAAGTTACATCTTTGGCTGAAAAAGCAAGAAGTCCACAGTT-3'
Protein context (NP_057240.3, residues 90-110): DVTYICPFTG[Ala100Thr]VRGTLTVTNY

ClinVar aggregate classification (germline): Benign/Likely benign. Review status: criteria provided, multiple submitters, no conflicts (2 of 4 stars). 5 submissions from 5 submitters: Benign (2); Likely benign (3). Last evaluated 2025-09-14.

Conditions:
MTMR2-related disorder. Also called: MTMR2-related condition.
Charcot-Marie-Tooth disease type 4. Also called: Charcot-Marie-Tooth disease, type IV; Charcot-Marie-Tooth, Type 4. Identifiers: Orphanet 64749, MedGen C4082197, MONDO:0018995.

Allele frequency attached by ClinVar (database versions not stated): ESP Exome Variant Server 0.00008; gnomAD 0.00008 and 0.00023; TOPMed 0.00010; gnomAD exomes 0.00034 and 0.00066; ExAC 0.00080; 1000 Genomes Project 30x 0.00219; 1000 Genomes Project 0.00260.
gnomAD v4.1: 533 of 1,614,024 alleles (0.033%); highest among the groups gnomAD compares: South Asian, 0.4%; 4 homozygotes.

Submissions (5):

Labcorp Genetics (formerly Invitae), Labcorp
Classification: Benign for Charcot-Marie-Tooth disease type 4. Last evaluated: 2025-09-14. Review status: criteria provided, single submitter. Criteria: Invitae Variant Classification Sherloc (09022015). Collection method: clinical testing. Allele origin: germline.

PreventionGenetics, part of Exact Sciences
Classification: Likely benign for MTMR2-related condition. Last evaluated: 2025-08-13. Review status: criteria provided, single submitter. Criteria: ACMG Guidelines, 2015. Collection method: clinical testing. Allele origin: germline.
Comment: This variant is classified as likely benign based on ACMG/AMP sequence variant interpretation guidelines (Richards et al. 2015 PMID: 25741868, with internal and published modifications).

Blueprint Genetics
Classification: Likely benign. Last evaluated: 2024-08-08. Review status: criteria provided, single submitter. Criteria: ACMG Guidelines, 2015. Collection method: clinical testing. Allele origin: germline.

CeGaT Center for Human Genetics Tuebingen
Classification: Likely benign. Last evaluated: 2024-05-01. Review status: criteria provided, single submitter. Criteria: CeGaT Center For Human Genetics Tuebingen Variant Classification Criteria Version 2. Collection method: clinical testing. Allele origin: germline. Affected: yes. Observed: 2 variant alleles.
Comment: MTMR2: PP3, BS2

Breakthrough Genomics
Classification: Benign. Review status: criteria provided, single submitter. Criteria: ACMG Guidelines, 2015. Collection method: not provided. Allele origin: germline. Inheritance: Autosomal recessive inheritance. Affected: yes.